The following is an entry in ClinVar:

ClinVar aggregate classification (germline): Uncertain significance (1 of 4 stars; one submission).

Allele frequency attached by ClinVar (database versions not stated): gnomAD exomes below 0.00001.
gnomAD v4.1: 1 of 1,614,012 alleles (0.000062%); highest among the groups gnomAD compares: South Asian, 0.0011%; no homozygotes.

Submission:

Labcorp Genetics (formerly Invitae), Labcorp
Classification: Uncertain significance. Last evaluated: 2019-12-03. Review status: criteria provided, single submitter. Criteria: Invitae Variant Classification Sherloc (09022015). Collection method: clinical testing. Allele origin: germline.
Comment: In summary, the available evidence is currently insufficient to determine the role of this variant in disease. Therefore, it has been classified as a Variant of Uncertain Significance. Algorithms developed to predict the effect of missense changes on protein structure and function (SIFT, PolyPhen-2, Align-GVGD) all suggest that this variant is likely to be disruptive, but these predictions have not been confirmed by published functional studies and their clinical significance is uncertain. This variant has not been reported in the literature in individuals with ABCA4-related conditions. This variant is not present in population databases (ExAC no frequency). This sequence change replaces lysine with asparagine at codon 2078 of the ABCA4 protein (p.Lys2078Asn). The lysine residue is highly conserved and there is a moderate physicochemical difference between lysine and asparagine.

NM_000350.3(ABCA4):c.6234A>C (p.Lys2078Asn)

Gene: ABCA4 (ATP binding cassette subfamily A member 4; minus strand). Cytogenetic location: 1p22.1.
Variant type: single nucleotide variant.
Coding change: c.6234A>C on transcript NM_000350.3 (MANE Select); coding-DNA position 6234, A replaced by C.
Protein change: p.Lys2078Asn; replaces lysine 2078 with asparagine.
Molecular consequence: missense variant.
Genome position (GRCh38, 1-based): chr1:94,001,906, T>G on the plus strand (A>C on the coding strand, the complement: ABCA4 is on the minus strand). VCF-style: chr1-94001906-T-G. GRCh37 (hg19) VCF-style: chr1-94467462-T-G.
Other names: c.6012A>C, p.Lys2004Asn (NM_001425324.1); short protein forms K2078N, K2004N.
Identifiers: ClinVar variation 849461 (VCV000849461.9), dbSNP rs1659195585, ClinGen allele CA341278225.
Genomic context (GRCh38, chr1:94,001,906, plus strand): 5'-GCCCGCAGTTACCAGCAGCACCAGCGGTGGGCAGCCAATGAGTGCGATGGCTGTGGAGAG[T>G]TTCCGCTTGTTGCCCCCACTGTACGTGCCAGCCAGGCAGTCGGCGTAGACAGTCAGGCCC-3'
Protein context (NP_000341.2, residues 2068-2088): AGTYSGGNKR[Lys2078Asn]LSTAIALIGC